The following is an entry in ClinVar:

ClinVar aggregate classification (germline): Pathogenic. Review status: criteria provided, multiple submitters, no conflicts (2 of 4 stars). 3 submissions from 3 submitters: Pathogenic (3). Last evaluated 2026-08-03.

Conditions:
COL1A1-related disorder. Also called: COL1A1- related disease; COL1A1-related condition.

Submissions (3):

PreventionGenetics, part of Exact Sciences
Classification: Pathogenic for COL1A1-related condition. Last evaluated: 2026-08-03. Review status: criteria provided, single submitter. Criteria: ACMG Guidelines, 2015. Collection method: clinical testing. Allele origin: germline.
Comment: The COL1A1 c.1696G>A variant is predicted to result in the amino acid substitution p.Gly566Arg. This variant, also described as p.Gly388Arg using legacy nomenclature, has been reported in individuals with osteogenesis imperfecta (OI), including at least four individuals with type II OI (Galicka et al. 2002. PubMed ID: 12362986; Fuccio et al. 2011. PubMed ID: 21884818; reported as de novo in Zemet et al. 2025. PubMed ID: 40423626; Table S1, Marini et al. 2007. PubMed ID: 17078022). This variant is located in the conserved Gly-Xaa-Yaa triple helical domain where substitutions of a glycine are usually pathogenic (Residues 179-1192; Legacy nomenclature in Marini et al. 2007. PubMed ID: 17078022 indicates amino acids 1-1012; Symoens et al. 2014. PubMed ID: 25146735). This variant has not been reported in a large population database (gnomAD), indicating it is rare. This variant is interpreted as pathogenic.

GeneDx
Classification: Pathogenic. Last evaluated: 2025-07-17. Review status: criteria provided, single submitter. Criteria: GeneDx Variant Classification Process June 2021. Collection method: clinical testing. Allele origin: germline. Affected: yes.
Comment: Not observed at significant frequency in large population cohorts (gnomAD); In silico analysis supports that this missense variant has a deleterious effect on protein structure/function; Occurs in the triple helical domain and replaces a glycine in a canonical Gly-X-Y repeat; missense substitution of a canonical glycine residue is expected to disrupt normal protein folding and function, and this is an established mechanism of disease (PMID: 34007986); This variant is associated with the following publications: (PMID: 17078022, 21884818, 34007986, 40423626, 12362986)

ARUP Laboratories, Molecular Genetics and Genomics, ARUP Laboratories
Classification: Pathogenic. Last evaluated: 2018-01-02. Review status: criteria provided, single submitter. Criteria: ARUP Molecular Germline Variant Investigation Process. Collection method: clinical testing. Allele origin: germline.
Comment: The COL1A1 c.1696G>A; p.Gly566Arg has been reported multiple times in the medical literature in patients diagnosed with osteogenesis imperfecta type II (Galicka 2002, Marini 2007). This variant is absent from the general population databases (1000 Genomes Project, Exome Variant Server, Genome Aggregation Database), indicating it is not a common polymorphism. The variant is located in a triple helix repeat domain, and glycine substitutions are the most frequent pathogenic alterations in this region (Ben Amor 2011). The glycine at position 566 is highly conserved considering 11 species, and computational analyses of the effects of the p.Gly566Arg variant on protein structure and function predict a deleterious effect (SIFT: damaging, MutationTaster: disease causing, PolyPhen-2: probably damaging). Based on the above information, the p.Gly566Arg variant is classified as pathogenic.

NM_000088.4(COL1A1):c.1696G>A (p.Gly566Arg)

Gene: COL1A1 (collagen type I alpha 1 chain; minus strand). Cytogenetic location: 17q21.33.
Variant type: single nucleotide variant.
Coding change: c.1696G>A on transcript NM_000088.4 (MANE Select); coding-DNA position 1696, G replaced by A.
Protein change: p.Gly566Arg; replaces glycine 566 with arginine.
Molecular consequence: missense variant.
Genome position (GRCh38, 1-based): chr17:50,194,014, C>T on the plus strand (G>A on the coding strand, the complement: COL1A1 is on the minus strand). VCF-style: chr17-50194014-C-T. GRCh37 (hg19) VCF-style: chr17-48271375-C-T.
Other names: short protein forms G566R.
Identifiers: ClinVar variation 618571 (VCV000618571.14), dbSNP rs67416837, ClinGen allele CA291545032.
Genomic context (GRCh38, chr17:50,194,014, plus strand): 5'-TAGGTCCAGGGAATCCCATCACACCAGCCTGACCACGGGCACCAGGTGGGCCTGGGGGTC[C>T]GGGGCGACCATCTTGACCGGCGGGACCCTAAGGATGGGAGGCACGAAAGCAGCAGTGAGG-3'
Protein context (NP_000079.2, residues 556-576): PGPAGQDGRP[Gly566Arg]PPGPPGARGQ